The following is an entry in ClinVar:

ClinVar aggregate classification (germline): Uncertain significance (1 of 4 stars; one submission).

Conditions:
Brugada syndrome 5 (BRGDA5). Identifiers: Orphanet 130, Orphanet 871, MedGen C2748541, MONDO:0013015, OMIM 612838.

Submission:

Labcorp Genetics (formerly Invitae), Labcorp
Classification: Uncertain significance for Brugada syndrome 5. Last evaluated: 2024-06-03. Review status: criteria provided, single submitter. Criteria: Invitae Variant Classification Sherloc (09022015). Collection method: clinical testing. Allele origin: germline.
Comment: This sequence change replaces serine, which is neutral and polar, with tryptophan, which is neutral and slightly polar, at codon 152 of the SCN1B protein (p.Ser152Trp). This variant is not present in population databases (gnomAD no frequency). This variant has not been reported in the literature in individuals affected with SCN1B-related conditions. ClinVar contains an entry for this variant (Variation ID: 835362). Algorithms developed to predict the effect of missense changes on protein structure and function output the following: SIFT: "Not Available"; PolyPhen-2: "Benign"; Align-GVGD: "Not Available". The tryptophan amino acid residue is found in multiple mammalian species, which suggests that this missense change does not adversely affect protein function. In summary, the available evidence is currently insufficient to determine the role of this variant in disease. Therefore, it has been classified as a Variant of Uncertain Significance.

NM_001037.5(SCN1B):c.448+7C>G

Gene: SCN1B (sodium voltage-gated channel beta subunit 1; plus strand). Cytogenetic location: 19q13.11.
Variant type: single nucleotide variant.
Coding change: c.448+7C>G on transcript NM_001037.5 (MANE Select); 7 bases into the intron after coding-DNA position 448, C replaced by G.
Molecular consequence: intron variant. On other transcripts: missense variant (1).
Genome position (GRCh38, 1-based): chr19:35,033,746, C>G. VCF-style: chr19-35033746-C-G. GRCh37 (hg19) VCF-style: chr19-35524650-C-G.
Other names: c.455C>G, p.Ser152Trp (NM_199037.5); c.349+7C>G (NM_001321605.2); short protein forms S152W.
Identifiers: ClinVar variation 835362 (VCV000835362.9), dbSNP rs748379474, ClinGen allele CA405329086.